The following is an entry in ClinVar:

ClinVar aggregate classification (germline): Uncertain significance. Review status: criteria provided, multiple submitters, no conflicts (2 of 4 stars). 2 submissions from 2 submitters: Uncertain significance (2). Last evaluated 2025-07-15.

Allele frequency attached by ClinVar (database versions not stated): gnomAD 0.00001; gnomAD exomes 0.00001 and below 0.00001; TOPMed 0.00003; ESP Exome Variant Server 0.00015; ExAC 0.00001.

Submissions (2):

Labcorp Genetics (formerly Invitae), Labcorp
Classification: Uncertain significance. Last evaluated: 2025-07-15. Review status: criteria provided, single submitter. Criteria: Invitae Variant Classification Sherloc (09022015). Collection method: clinical testing. Allele origin: germline.
Comment: This sequence change replaces methionine, which is neutral and non-polar, with isoleucine, which is neutral and non-polar, at codon 142 of the CHRM2 protein (p.Met142Ile). This variant is present in population databases (rs142493466, gnomAD 0.01%). This variant has not been reported in the literature in individuals affected with CHRM2-related conditions. ClinVar contains an entry for this variant (Variation ID: 1419599). An algorithm developed to predict the effect of missense changes on protein structure and function (PolyPhen-2) suggests that this variant is likely to be tolerated. In summary, the available evidence is currently insufficient to determine the role of this variant in disease. Therefore, it has been classified as a Variant of Uncertain Significance.

Ambry Genetics
Classification: Uncertain significance. Last evaluated: 2023-03-20. Review status: criteria provided, single submitter. Criteria: Ambry Variant Classification Scheme 2023. Collection method: clinical testing. Allele origin: germline.

NM_001006630.2(CHRM2):c.426G>A (p.Met142Ile)

Genes: CHRM2 (cholinergic receptor muscarinic 2; plus strand), LOC349160 (uncharacterized LOC349160; minus strand). Cytogenetic location: 7q33.
Variant type: single nucleotide variant.
Coding change: c.426G>A on transcript NM_001006630.2 (MANE Select); coding-DNA position 426, G replaced by A.
Protein change: p.Met142Ile; replaces methionine 142 with isoleucine.
Molecular consequence: missense variant.
Genome position (GRCh38, 1-based): chr7:137,015,291, G>A. VCF-style: chr7-137015291-G-A. GRCh37 (hg19) VCF-style: chr7-136700038-G-A.
Other names: c.426G>A, p.Met142Ile (NM_000739.3, NM_001006626.3, NM_001006627.3 and 6 more transcripts); c.426G>A (NM_000739.2); short protein forms M142I.
Identifiers: ClinVar variation 1419599 (VCV001419599.7), dbSNP rs142493466, ClinGen allele CA4500528.